The following is an entry in ClinVar:

NM_001128148.3(TFRC):c.2024A>G (p.Asn675Ser)

Gene: TFRC (transferrin receptor; minus strand). Cytogenetic location: 3q29.
Variant type: single nucleotide variant.
Coding change: c.2024A>G on transcript NM_001128148.3 (MANE Select); coding-DNA position 2024, A replaced by G.
Protein change: p.Asn675Ser; replaces asparagine 675 with serine.
Molecular consequence: missense variant.
Genome position (GRCh38, 1-based): chr3:196,053,434, T>C on the plus strand (A>G on the coding strand, the complement: TFRC is on the minus strand). VCF-style: chr3-196053434-T-C. GRCh37 (hg19) VCF-style: chr3-195780305-T-C.
Other names: c.1781A>G, p.Asn594Ser (NM_001313965.2); c.1178A>G, p.Asn393Ser (NM_001313966.2); c.2024A>G, p.Asn675Ser (NM_003234.4); c.2024A>G (NM_003234.2); short protein forms N675S, N393S, N594S.
Identifiers: ClinVar variation 1500849 (VCV001500849.7), dbSNP rs141608481, ClinGen allele CA2777742.

ClinVar aggregate classification (germline): Uncertain significance. Review status: criteria provided, multiple submitters, no conflicts (2 of 4 stars). 2 submissions from 2 submitters: Uncertain significance (2). Last evaluated 2025-06-10.

Conditions:
Inborn genetic diseases. Identifiers: MedGen C0950123, MeSH D030342.

Allele frequency attached by ClinVar (database versions not stated): gnomAD 0.00002 and 0.00004; ExAC 0.00003; gnomAD exomes 0.00003; TOPMed 0.00003; ESP Exome Variant Server 0.00023.
gnomAD v4.1: 47 of 1,614,106 alleles (0.0029%); highest among the groups gnomAD compares: Middle Eastern, 0.016%; no homozygotes.

Submissions (2):

Labcorp Genetics (formerly Invitae), Labcorp
Classification: Uncertain significance. Last evaluated: 2025-06-10. Review status: criteria provided, single submitter. Criteria: Invitae Variant Classification Sherloc (09022015). Collection method: clinical testing. Allele origin: germline.
Comment: This sequence change replaces asparagine, which is neutral and polar, with serine, which is neutral and polar, at codon 675 of the TFRC protein (p.Asn675Ser). This variant is present in population databases (rs141608481, gnomAD 0.008%). This variant has not been reported in the literature in individuals affected with TFRC-related conditions. ClinVar contains an entry for this variant (Variation ID: 1500849). Invitae Evidence Modeling of protein sequence and biophysical properties (such as structural, functional, and spatial information, amino acid conservation, physicochemical variation, residue mobility, and thermodynamic stability) indicates that this missense variant is expected to disrupt TFRC protein function with a positive predictive value of 80%. In summary, the available evidence is currently insufficient to determine the role of this variant in disease. Therefore, it has been classified as a Variant of Uncertain Significance.

Ambry Genetics
Classification: Uncertain significance for Inborn genetic diseases. Last evaluated: 2025-03-25. Review status: criteria provided, single submitter. Criteria: Ambry Variant Classification Scheme 2023. Collection method: clinical testing. Allele origin: germline.